The following is an entry in ClinVar:

ClinVar aggregate classification (germline): Uncertain significance. Review status: criteria provided, multiple submitters, no conflicts (2 of 4 stars). 3 submissions from 3 submitters: Uncertain significance (3). Last evaluated 2025-09-25.

Conditions:
Inborn genetic diseases. Identifiers: MedGen C0950123, MeSH D030342.
GRHL2-related disorder. Also called: GRHL2-related condition; GRHL2-related disorders.

Allele frequency attached by ClinVar (database versions not stated): ExAC 0.00001; gnomAD exomes 0.00002 and 0.00005; TOPMed 0.00002; gnomAD 0.00004.
gnomAD v4.1: 76 of 1,613,660 alleles (0.0047%); highest among the groups gnomAD compares: Middle Eastern, 0.017%; no homozygotes.

Submissions (3):

PreventionGenetics, part of Exact Sciences
Classification: Uncertain significance for GRHL2-related condition. Last evaluated: 2025-09-25. Review status: criteria provided, single submitter. Criteria: ACMG Guidelines, 2015. Collection method: clinical testing. Allele origin: germline.
Comment: The GRHL2 c.686G>A variant is predicted to result in the amino acid substitution p.Arg229Gln. To our knowledge, this variant has not been reported in the literature. This variant is reported in 0.0058% of alleles in individuals of Latino descent in gnomAD. At this time, the clinical significance of this variant is uncertain due to the absence of conclusive functional and genetic evidence.

Ambry Genetics
Classification: Uncertain significance for Inborn genetic diseases. Last evaluated: 2025-08-14. Review status: criteria provided, single submitter. Criteria: Ambry Variant Classification Scheme 2023. Collection method: clinical testing. Allele origin: germline.

GeneDx
Classification: Uncertain significance. Last evaluated: 2021-12-27. Review status: criteria provided, single submitter. Criteria: GeneDx Variant Classification Process June 2021. Collection method: clinical testing. Allele origin: germline. Affected: yes.
Comment: In silico analysis supports that this missense variant does not alter protein structure/function; Has not been previously published as pathogenic or benign to our knowledge

NM_024915.4(GRHL2):c.686G>A (p.Arg229Gln)

Gene: GRHL2 (grainyhead like transcription factor 2; plus strand). Cytogenetic location: 8q22.3.
Variant type: single nucleotide variant.
Coding change: c.686G>A on transcript NM_024915.4 (MANE Select); coding-DNA position 686, G replaced by A.
Protein change: p.Arg229Gln; replaces arginine 229 with glutamine.
Molecular consequence: missense variant.
Genome position (GRCh38, 1-based): chr8:101,570,346, G>A. VCF-style: chr8-101570346-G-A. GRCh37 (hg19) VCF-style: chr8-102582574-G-A.
Other names: c.638G>A, p.Arg213Gln (NM_001330593.2); short protein forms R213Q, R229Q.
Identifiers: ClinVar variation 1331260 (VCV001331260.4), dbSNP rs545333440, ClinGen allele CA4830356.